The following is an entry in ClinVar:

NM_001367624.2(ZNF469):c.3052C>T (p.Leu1018Phe)

Gene: ZNF469 (zinc finger protein 469; plus strand). Cytogenetic location: 16q24.2.
Variant type: single nucleotide variant.
Coding change: c.3052C>T on transcript NM_001367624.2 (MANE Select); coding-DNA position 3052, C replaced by T.
Protein change: p.Leu1018Phe; replaces leucine 1018 with phenylalanine.
Molecular consequence: missense variant.
Genome position (GRCh38, 1-based): chr16:88,430,522, C>T. VCF-style: chr16-88430522-C-T. GRCh37 (hg19) VCF-style: chr16-88496930-C-T.
Other names: short protein forms L1018F.
Identifiers: ClinVar variation 4715940 (VCV004715940.1).

ClinVar aggregate classification (germline): Uncertain significance (1 of 4 stars; one submission).

Submission:

Labcorp Genetics (formerly Invitae), Labcorp
Classification: Uncertain significance. Last evaluated: 2025-04-01. Review status: criteria provided, single submitter. Criteria: Invitae Variant Classification Sherloc (09022015). Collection method: clinical testing. Allele origin: germline.
Comment: This sequence change replaces leucine, which is neutral and non-polar, with phenylalanine, which is neutral and non-polar, at codon 1018 of the ZNF469 protein (p.Leu1018Phe). This variant is not present in population databases (gnomAD no frequency). This variant has not been reported in the literature in individuals affected with ZNF469-related conditions. An algorithm developed to predict the effect of missense changes on protein structure and function (PolyPhen-2) suggests that this variant is likely to be disruptive. In summary, the available evidence is currently insufficient to determine the role of this variant in disease. Therefore, it has been classified as a Variant of Uncertain Significance.